The following is an entry in ClinVar:

NM_006514.4(SCN10A):c.2137G>T (p.Val713Phe)

Gene: SCN10A (sodium voltage-gated channel alpha subunit 10; minus strand). Cytogenetic location: 3p22.2.
Variant type: single nucleotide variant.
Coding change: c.2137G>T on transcript NM_006514.4 (MANE Select); coding-DNA position 2137, G replaced by T.
Protein change: p.Val713Phe; replaces valine 713 with phenylalanine.
Molecular consequence: missense variant.
Genome position (GRCh38, 1-based): chr3:38,739,658, C>A on the plus strand (G>T on the coding strand, the complement: SCN10A is on the minus strand). VCF-style: chr3-38739658-C-A. GRCh37 (hg19) VCF-style: chr3-38781149-C-A.
Other names: c.2137G>T, p.Val713Phe (NM_001293306.2); c.1843G>T, p.Val615Phe (NM_001293307.2); short protein forms V615F, V713F.
Identifiers: ClinVar variation 2443458 (VCV002443458.1), dbSNP rs1490375691, ClinGen allele CA352164595.

ClinVar aggregate classification (germline): Uncertain significance (1 of 4 stars; one submission).

gnomAD v4.1: 1 of 1,613,986 alleles (0.000062%); highest among the groups gnomAD compares: Non-Finnish European, 0.000085%; no homozygotes.

Submission:

GeneDx
Classification: Uncertain significance. Last evaluated: 2022-09-08. Review status: criteria provided, single submitter. Criteria: GeneDx Variant Classification Process June 2021. Collection method: clinical testing. Allele origin: germline. Affected: yes.
Comment: Not observed at significant frequency in large population cohorts (gnomAD); In silico analysis supports that this missense variant does not alter protein structure/function; Has not been previously published as pathogenic or benign to our knowledge